The following is an entry in ClinVar:

ClinVar aggregate classification (germline): Uncertain significance (1 of 4 stars; one submission).

Conditions:
Pitt-Hopkins syndrome (PTHS). Also called: ENCEPHALOPATHY, SEVERE EPILEPTIC, WITH AUTONOMIC DYSFUNCTION; MENTAL RETARDATION, SYNDROMAL, WITH INTERMITTENT HYPERVENTILATION. Identifiers: Orphanet 2896, MedGen C1970431, MONDO:0012589, OMIM 610954.

Submission:

Labcorp Genetics (formerly Invitae), Labcorp
Classification: Uncertain significance for Pitt-Hopkins syndrome. Last evaluated: 2021-03-29. Review status: criteria provided, single submitter. Criteria: Invitae Variant Classification Sherloc (09022015). Collection method: clinical testing. Allele origin: germline.
Comment: In summary, the available evidence is currently insufficient to determine the role of this variant in disease. Therefore, it has been classified as a Variant of Uncertain Significance. Algorithms developed to predict the effect of missense changes on protein structure and function (SIFT, PolyPhen-2, Align-GVGD) all suggest that this variant is likely to be tolerated, but these predictions have not been confirmed by published functional studies and their clinical significance is uncertain. This variant has not been reported in the literature in individuals with TCF4-related conditions. This variant is not present in population databases (ExAC no frequency). This sequence change replaces glycine with alanine at codon 240 of the TCF4 protein (p.Gly240Ala). The glycine residue is highly conserved and there is a small physicochemical difference between glycine and alanine.

NM_001083962.2(TCF4):c.719G>C (p.Gly240Ala)

Gene: TCF4 (transcription factor 4; minus strand). Cytogenetic location: 18q21.2.
Variant type: single nucleotide variant.
Coding change: c.719G>C on transcript NM_001083962.2 (MANE Select); coding-DNA position 719, G replaced by C.
Protein change: p.Gly240Ala; replaces glycine 240 with alanine.
Molecular consequence: missense variant.
Genome position (GRCh38, 1-based): chr18:55,275,689, C>G on the plus strand (G>C on the coding strand, the complement: TCF4 is on the minus strand). VCF-style: chr18-55275689-C-G. GRCh37 (hg19) VCF-style: chr18-52942920-C-G.
Other names: c.1025G>C, p.Gly342Ala (NM_001243226.3); c.647G>C, p.Gly216Ala (NM_001243227.2, NM_001306207.1, NM_001369575.1 and 9 more transcripts); c.737G>C, p.Gly246Ala (NM_001243228.2); c.713G>C, p.Gly238Ala (NM_001243230.2); c.593G>C, p.Gly198Ala (NM_001243231.2, NM_001348211.2); c.506G>C, p.Gly169Ala (NM_001243232.1, NM_001306208.1); c.329G>C, p.Gly110Ala (NM_001243233.2, NM_001330605.3, NM_001348212.2 and 1 more transcripts); c.239G>C, p.Gly80Ala (NM_001243234.2, NM_001243235.2, NM_001243236.2 and 2 more transcripts); and 4 more; short protein forms G169A, G342A, G80A, G215A, G216A, G246A, G24A, G198A.
Identifiers: ClinVar variation 1470711 (VCV001470711.8), dbSNP rs758812309, ClinGen allele CA402701547.